The following is an entry in ClinVar:

NM_020207.7(ERCC6L2):c.2078G>A (p.Cys693Tyr)

Gene: ERCC6L2 (ERCC excision repair 6 like 2; plus strand). Cytogenetic location: 9q22.32.
Variant type: single nucleotide variant.
Coding change: c.2078G>A on transcript NM_020207.7 (MANE Select); coding-DNA position 2078, G replaced by A.
Protein change: p.Cys693Tyr; replaces cysteine 693 with tyrosine.
Molecular consequence: missense variant. On other transcripts: non-coding transcript variant (1).
Genome position (GRCh38, 1-based): chr9:95,966,692, G>A. VCF-style: chr9-95966692-G-A. GRCh37 (hg19) VCF-style: chr9-98728974-G-A.
Other names: c.2078G>A, p.Cys693Tyr (NM_001010895.4, NM_001375291.1, NM_001375292.1 and 2 more transcripts); short protein forms C693Y.
Identifiers: ClinVar variation 4844041 (VCV004844041.1).
Genomic context (GRCh38, chr9:95,966,692, plus strand): 5'-AGCATCAAGGAGAGCTTTTTGGGATCCATAACCTCTTCAAATTTAGGTCCCAAGGGTCTT[G>A]TCTTACGAAGGACATCCTGGAGGTGTGAACTTCTTCTCTGACCTTTTCAATAATATTTTA-3'
Protein context (NP_064592.3, residues 683-703): NLFKFRSQGS[Cys693Tyr]LTKDILEREG

ClinVar aggregate classification (germline): Uncertain significance (1 of 4 stars; one submission).

Conditions:
Inborn genetic diseases. Identifiers: MedGen C0950123, MeSH D030342.

gnomAD v4.1: 1 of 1,483,332 alleles (0.000067%); highest among the groups gnomAD compares: Non-Finnish European, 0.000091%; no homozygotes.

Submission:

Ambry Genetics
Classification: Uncertain significance for Inborn genetic diseases. Last evaluated: 2025-12-22. Review status: criteria provided, single submitter. Criteria: Ambry Variant Classification Scheme 2023. Collection method: clinical testing. Allele origin: germline.
Comment: The p.C693Y variant (also known as c.2078G>A), located in coding exon 14 of the ERCC6L2 gene, results from a G to A substitution at nucleotide position 2078. The cysteine at codon 693 is replaced by tyrosine, an amino acid with highly dissimilar properties. This amino acid position is conserved. In addition, this alteration is predicted to be deleterious by in silico analysis. Based on the available evidence, the clinical significance of this variant remains unclear.